The following is an entry in ClinVar:

NM_000016.6(ACADM):c.30+5G>C

Gene: ACADM (acyl-CoA dehydrogenase medium chain; plus strand). Cytogenetic location: 1p31.1.
Variant type: single nucleotide variant.
Coding change: c.30+5G>C on transcript NM_000016.6 (MANE Select); 5 bases into the intron after coding-DNA position 30, G replaced by C.
Molecular consequence: intron variant.
Genome position (GRCh38, 1-based): chr1:75,724,822, G>C. VCF-style: chr1-75724822-G-C. GRCh37 (hg19) VCF-style: chr1-76190507-G-C.
Other names: c.30+5G>C (NM_001127328.3, NM_001286043.2, NM_000016.5); c.10+5G>C (NM_001286042.2); c.-268+5G>C (NM_001286044.2).
Identifiers: ClinVar variation 2892428 (VCV002892428.4), dbSNP rs2525534617, ClinGen allele CA2646245926.

ClinVar aggregate classification (germline): Uncertain significance. Review status: criteria provided, single submitter (1 of 4 stars). 2 submissions from 2 submitters: Uncertain significance (1). 1 of the submissions does not count toward it. Last evaluated 2023-07-09.

Conditions:
Medium-chain acyl-coenzyme A dehydrogenase deficiency (ACADMD). Also called: Medium chain acyl-CoA dehydrogenase deficiency; ACADM DEFICIENCY; CARNITINE DEFICIENCY SECONDARY TO MEDIUM-CHAIN ACYL-CoA DEHYDROGENASE DEFICIENCY; MCAD Deficiency; MCADH DEFICIENCY; MCADD. Identifiers: Orphanet 42, MedGen C0220710, MONDO:0008721, OMIM 201450.

Allele frequency attached by ClinVar (database versions not stated): gnomAD exomes below 0.00001.
gnomAD v4.1: 1 of 1,493,616 alleles (0.000067%); highest among the groups gnomAD compares: Admixed American, 0.0022%; no homozygotes.

Submissions (2):

Labcorp Genetics (formerly Invitae), Labcorp
Classification: Uncertain significance for Medium-chain acyl-coenzyme A dehydrogenase deficiency. Last evaluated: 2023-07-09. Review status: criteria provided, single submitter. Criteria: Invitae Variant Classification Sherloc (09022015). Collection method: clinical testing. Allele origin: germline.
Comment: This sequence change falls in intron 1 of the ACADM gene. It does not directly change the encoded amino acid sequence of the ACADM protein. It affects a nucleotide within the consensus splice site. This variant is not present in population databases (gnomAD no frequency). This variant has not been reported in the literature in individuals affected with ACADM-related conditions. Variants that disrupt the consensus splice site are a relatively common cause of aberrant splicing (PMID: 17576681, 9536098). Algorithms developed to predict the effect of sequence changes on RNA splicing suggest that this variant may disrupt the consensus splice site. In summary, the available evidence is currently insufficient to determine the role of this variant in disease. Therefore, it has been classified as a Variant of Uncertain Significance.

Natera, Inc.
Classification: Uncertain significance for Medium Chain Acyl-CoA Dehydrogenase Deficiency. Last evaluated: 2025-05-08. Review status: no assertion criteria provided. Collection method: clinical testing. Allele origin: germline. Not counted in ClinVar's aggregate classification.

Literature cited by the submitters: PubMed 17576681 (cited by Labcorp Genetics (formerly Invitae), Labcorp); PubMed 9536098 (cited by Labcorp Genetics (formerly Invitae), Labcorp).